The following is an entry in ClinVar:

ClinVar aggregate classification (germline): Uncertain significance (1 of 4 stars; one submission).

Conditions:
DNA ligase IV deficiency. Identifiers: Orphanet 99812, MedGen C1847827, MONDO:0011686, OMIM 606593.

Submission:

Labcorp Genetics (formerly Invitae), Labcorp
Classification: Uncertain significance for DNA ligase IV deficiency. Last evaluated: 2022-08-23. Review status: criteria provided, single submitter. Criteria: Invitae Variant Classification Sherloc (09022015). Collection method: clinical testing. Allele origin: germline.
Comment: ClinVar contains an entry for this variant (Variation ID: 652032). Algorithms developed to predict the effect of missense changes on protein structure and function (SIFT, PolyPhen-2, Align-GVGD) all suggest that this variant is likely to be tolerated. In summary, the available evidence is currently insufficient to determine the role of this variant in disease. Therefore, it has been classified as a Variant of Uncertain Significance. This sequence change replaces lysine, which is basic and polar, with glutamic acid, which is acidic and polar, at codon 58 of the LIG4 protein (p.Lys58Glu). This variant is not present in population databases (gnomAD no frequency). This variant has not been reported in the literature in individuals affected with LIG4-related conditions.

NM_206937.2(LIG4):c.172A>G (p.Lys58Glu)

Gene: LIG4 (DNA ligase 4; minus strand). Cytogenetic location: 13q33.3.
Variant type: single nucleotide variant.
Coding change: c.172A>G on transcript NM_206937.2 (MANE Select); coding-DNA position 172, A replaced by G.
Protein change: p.Lys58Glu; replaces lysine 58 with glutamic acid.
Molecular consequence: missense variant. On other transcripts: 5 prime UTR variant (1).
Genome position (GRCh38, 1-based): chr13:108,211,097, T>C on the plus strand (A>G on the coding strand, the complement: LIG4 is on the minus strand). VCF-style: chr13-108211097-T-C. GRCh37 (hg19) VCF-style: chr13-108863445-T-C.
Other names: c.172A>G, p.Lys58Glu (NM_001098268.2, NM_001352598.2, NM_001352599.2 and 6 more transcripts); c.-30A>G (NM_001330595.2); c.208A>G, p.Lys70Glu (NM_001352604.2); short protein forms K58E, K70E.
Identifiers: ClinVar variation 652032 (VCV000652032.7), dbSNP rs1594465897, ClinGen allele CA388624190.
Genomic context (GRCh38, chr13:108,211,097, plus strand): 5'-CTCTTTCTAGCTGAGGAAGAATTAGTCTCATTGCTGGATAAAAAGAGTCTGTGACATCTT[T>C]GTGGTTCTTATGAAGAGCATCATGAAATTTTCTCCAAGAATCTAAAAATTCCCTGAAGTG-3'
Protein context (NP_996820.1, residues 48-68): KFHDALHKNH[Lys58Glu]DVTDSFYPAM